The following is an entry in ClinVar:

ClinVar aggregate classification (germline): Likely benign (1 of 4 stars; one submission).

Conditions:
ROBO3-related disorder. Also called: ROBO3-related condition.

gnomAD v4.1: 1 of 1,448,818 alleles (0.000069%); no homozygotes.

Submission:

PreventionGenetics, part of Exact Sciences
Classification: Likely benign for ROBO3-related condition. Last evaluated: 2024-10-31. Review status: criteria provided, single submitter. Criteria: ACMG Guidelines, 2015. Collection method: clinical testing. Allele origin: germline.
Comment: This variant is classified as likely benign based on ACMG/AMP sequence variant interpretation guidelines (Richards et al. 2015 PMID: 25741868, with internal and published modifications).

NM_022370.4(ROBO3):c.2631C>T (p.Gly877=)

Genes: ROBO3 (roundabout guidance receptor 3; plus strand), LOC130007006 (ATAC-STARR-seq lymphoblastoid silent region 4035; plus strand). Cytogenetic location: 11q24.2.
Variant type: single nucleotide variant.
Coding change: c.2631C>T on transcript NM_022370.4 (MANE Select); coding-DNA position 2631, C replaced by T.
Protein change: p.Gly877=; no amino-acid change (glycine 877 retained).
Molecular consequence: synonymous variant. On other transcripts: 5 prime UTR variant (1), non-coding transcript variant (1).
Genome position (GRCh38, 1-based): chr11:124,876,312, C>T. VCF-style: chr11-124876312-C-T. GRCh37 (hg19) VCF-style: chr11-124746208-C-T.
Other names: c.-223C>T (NM_001370356.1).
Identifiers: ClinVar variation 4989927 (VCV004989927.1).